The following is an entry in ClinVar:

NM_176869.3(PPA2):c.871A>T (p.Thr291Ser)

Gene: PPA2 (inorganic pyrophosphatase 2; minus strand). Cytogenetic location: 4q24.
Variant type: single nucleotide variant.
Coding change: c.871A>T on transcript NM_176869.3 (MANE Select); coding-DNA position 871, A replaced by T.
Protein change: p.Thr291Ser; replaces threonine 291 with serine.
Molecular consequence: missense variant.
Genome position (GRCh38, 1-based): chr4:105,386,635, T>A on the plus strand (A>T on the coding strand, the complement: PPA2 is on the minus strand). VCF-style: chr4-105386635-T-A. GRCh37 (hg19) VCF-style: chr4-106307792-T-A.
Other names: c.784A>T, p.Thr262Ser (NM_006903.4); c.565A>T, p.Thr189Ser (NM_176866.2); c.373A>T, p.Thr125Ser (NM_176867.3); short protein forms T262S, T189S, T125S, T291S.
Identifiers: ClinVar variation 1445346 (VCV001445346.8), dbSNP rs1373613592, ClinGen allele CA357788995.

ClinVar aggregate classification (germline): Uncertain significance (1 of 4 stars; one submission).

Submission:

Labcorp Genetics (formerly Invitae), Labcorp
Classification: Uncertain significance. Last evaluated: 2024-10-18. Review status: criteria provided, single submitter. Criteria: Invitae Variant Classification Sherloc (09022015). Collection method: clinical testing. Allele origin: germline.
Comment: This sequence change replaces threonine, which is neutral and polar, with serine, which is neutral and polar, at codon 291 of the PPA2 protein (p.Thr291Ser). This variant is not present in population databases (gnomAD no frequency). This variant has not been reported in the literature in individuals affected with PPA2-related conditions. ClinVar contains an entry for this variant (Variation ID: 1445346). Invitae Evidence Modeling of protein sequence and biophysical properties (such as structural, functional, and spatial information, amino acid conservation, physicochemical variation, residue mobility, and thermodynamic stability) indicates that this missense variant is not expected to disrupt PPA2 protein function with a negative predictive value of 95%. In summary, the available evidence is currently insufficient to determine the role of this variant in disease. Therefore, it has been classified as a Variant of Uncertain Significance.